The following is an entry in ClinVar:

NM_012154.5(AGO2):c.560G>C (p.Gly187Ala)

Genes: AGO2 (argonaute RISC catalytic component 2; minus strand), LOC126860545 (MED14-independent group 3 enhancer GRCh37_chr8:141569579-141570778; plus strand). Cytogenetic location: 8q24.3.
Variant type: single nucleotide variant.
Coding change: c.560G>C on transcript NM_012154.5 (MANE Select); coding-DNA position 560, G replaced by C.
Protein change: p.Gly187Ala; replaces glycine 187 with alanine.
Molecular consequence: missense variant.
Genome position (GRCh38, 1-based): chr8:140,560,469, C>G on the plus strand (G>C on the coding strand, the complement: AGO2 is on the minus strand). VCF-style: chr8-140560469-C-G. GRCh37 (hg19) VCF-style: chr8-141570568-C-G.
Other names: c.560G>C, p.Gly187Ala (NM_001164623.3); c.560G>C (NM_012154.3); short protein forms G187A.
Identifiers: ClinVar variation 1703086 (VCV001703086.4), dbSNP rs1435463650, ClinGen allele CA372323842.

ClinVar aggregate classification (germline): Uncertain significance. Review status: criteria provided, multiple submitters, no conflicts (2 of 4 stars). 2 submissions from 2 submitters: Uncertain significance (2). Last evaluated 2025-01-16.

Conditions:
Inborn genetic diseases. Identifiers: MedGen C0950123, MeSH D030342.

Allele frequency attached by ClinVar (database versions not stated): gnomAD 0.00001; TOPMed 0.00001; gnomAD exomes 0.00002.
gnomAD v4.1: 26 of 1,614,112 alleles (0.0016%); highest among the groups gnomAD compares: Non-Finnish European, 0.0021%; no homozygotes.

Submissions (2):

Ambry Genetics
Classification: Uncertain significance for Inborn genetic diseases. Last evaluated: 2025-01-16. Review status: criteria provided, single submitter. Criteria: Ambry Variant Classification Scheme 2023. Collection method: clinical testing. Allele origin: germline.

Greenwood Genetic Center Diagnostic Laboratories, Greenwood Genetic Center
Classification: Uncertain significance. Last evaluated: 2022-06-01. Review status: criteria provided, single submitter. Criteria: ACMG Guidelines, 2015. Collection method: clinical testing. Allele origin: germline. Affected: yes.
Comment: PM2 PP2